The following is an entry in ClinVar:

NM_000287.4(PEX6):c.1688+1G>T

Gene: PEX6 (peroxisomal biogenesis factor 6; minus strand). Cytogenetic location: 6p21.1.
Variant type: single nucleotide variant.
Coding change: c.1688+1G>T on transcript NM_000287.4 (MANE Select); the canonical splice donor site of the intron after coding-DNA position 1688, G replaced by T.
Molecular consequence: splice donor variant.
Genome position (GRCh38, 1-based): chr6:42,968,289, C>A on the plus strand (G>T on the coding strand, the complement: PEX6 is on the minus strand). VCF-style: chr6-42968289-C-A. GRCh37 (hg19) VCF-style: chr6-42936027-C-A.
Other names: c.1424+1G>T (NM_001316313.2).
Identifiers: ClinVar variation 962408 (VCV000962408.8), dbSNP rs112298166, ClinGen allele CA364153987.

ClinVar aggregate classification (germline): Pathogenic (1 of 4 stars; one submission).

Conditions:
Peroxisome biogenesis disorder. Identifiers: Orphanet 79189, MedGen C1832200, MONDO:0019234. Disease mechanism: loss of function.

Submission:

Labcorp Genetics (formerly Invitae), Labcorp
Classification: Pathogenic for Peroxisome biogenesis disorder. Last evaluated: 2019-11-15. Review status: criteria provided, single submitter. Criteria: Invitae Variant Classification Sherloc (09022015). Collection method: clinical testing. Allele origin: germline.
Comment: For these reasons, this variant has been classified as Pathogenic. Donor and acceptor splice site variants typically lead to a loss of protein function (PMID: 16199547), and loss-of-function variants in PEX6 are known to be pathogenic (PMID: 8670792, 19877282, 21031596). Experimental studies have shown that disruption of this splice affects mRNA splicing (PMID: 10408779). Disruption of this splice site has been observed in individual(s) with clinical features of Zellweger syndrome (PMID: 10408779). This variant is not present in population databases (ExAC no frequency). This sequence change affects a donor splice site in intron 7 of the PEX6 gene. It is expected to disrupt RNA splicing and likely results in an absent or disrupted protein product.

Literature cited by the submitters: PubMed 16199547; PubMed 8670792; PubMed 19877282; PubMed 21031596; PubMed 10408779.